The following is an entry in ClinVar:

NM_080680.3(COL11A2):c.4338+1G>C

Gene: COL11A2 (collagen type XI alpha 2 chain; minus strand). Cytogenetic location: 6p21.32.
Variant type: single nucleotide variant.
Coding change: c.4338+1G>C on transcript NM_080680.3 (MANE Select); the canonical splice donor site of the intron after coding-DNA position 4338, G replaced by C.
Molecular consequence: splice donor variant.
Genome position (GRCh38, 1-based): chr6:33,166,719, C>G on the plus strand (G>C on the coding strand, the complement: COL11A2 is on the minus strand). VCF-style: chr6-33166719-C-G. GRCh37 (hg19) VCF-style: chr6-33134496-C-G.
Other names: c.3312+1G>C (NM_001424111.1, NM_001424110.1); c.4017+1G>C (NM_080679.3); c.4080+1G>C (NM_080681.3); c.4158+1G>C (NM_001424108.1); c.3492+1G>C (NM_001424109.1); c.2292+1G>C (NM_001424112.1).
Identifiers: ClinVar variation 3730954 (VCV003730954.1).
Genomic context (GRCh38, chr6:33,166,719, plus strand): 5'-TCCACCCCTCTCCACCCCACTCTCAACCCCCACAACTTCCGGGACCATGCCCTCTACTCA[C>G]CATCTCACCCTTCTGCCCAGGGGAGCCCTGAGGCCCAGGAAGTCCCCGATCTCCCTTCTC-3'

ClinVar aggregate classification (germline): Likely pathogenic (1 of 4 stars; one submission).

Submission:

GeneDx
Classification: Likely pathogenic. Last evaluated: 2024-08-06. Review status: criteria provided, single submitter. Criteria: GeneDx Variant Classification Process June 2021. Collection method: clinical testing. Allele origin: germline. Affected: yes.
Comment: Canonical splice site variant predicted to result in an in-frame loss of the adjacent exon in a gene for which loss of function is a known mechanism of disease; Not observed at significant frequency in large population cohorts (gnomAD); Has not been previously published as pathogenic or benign to our knowledge